The following is an entry in ClinVar:

NM_014049.5(ACAD9):c.1168G>A (p.Ala390Thr)

Gene: ACAD9 (acyl-CoA dehydrogenase family member 9; plus strand). Cytogenetic location: 3q21.3.
Variant type: single nucleotide variant.
Coding change: c.1168G>A on transcript NM_014049.5 (MANE Select); coding-DNA position 1168, G replaced by A.
Protein change: p.Ala390Thr; replaces alanine 390 with threonine.
Molecular consequence: missense variant. On other transcripts: non-coding transcript variant (1).
Genome position (GRCh38, 1-based): chr3:128,906,139, G>A. VCF-style: chr3-128906139-G-A. GRCh37 (hg19) VCF-style: chr3-128624982-G-A.
Other names: short protein forms A390T.
Identifiers: ClinVar variation 1253828 (VCV001253828.16), dbSNP rs763004980, ClinGen allele CA2601425.

ClinVar aggregate classification (germline): Pathogenic/Likely pathogenic. Review status: criteria provided, multiple submitters, no conflicts (2 of 4 stars). 6 submissions from 6 submitters: Pathogenic (4); Likely pathogenic (2). Last evaluated 2025-06-16.

Conditions:
Acyl-CoA dehydrogenase 9 deficiency. Also called: Acyl-CoA dehydrogenase family, member 9, deficiency of; MITOCHONDRIAL COMPLEX I DEFICIENCY, NUCLEAR TYPE 20. Identifiers: Orphanet 99901, MedGen C4747517, MONDO:0012624, OMIM 611126.

Allele frequency attached by ClinVar (database versions not stated): ExAC 0.00001; gnomAD 0.00001; gnomAD exomes 0.00001 and 0.00002; TOPMed 0.00002.

Submissions (6):

Natera, Inc.
Classification: Pathogenic for ACAD9 deficiency. Last evaluated: 2025-06-16. Review status: criteria provided, single submitter. Criteria: Natera Variant Classification Schema (03/2026). Collection method: clinical testing. Allele origin: germline.
Comment: The c.1168G>A variant in ACAD9 is a missense variant predicted to cause substitution of alanine to threonine at amino acid 390. This variant is rare in the general population with a frequency below the threshold expected for the associated phenotype(s). This variant has been observed in one or more individuals affected with the associated recessive disease, as either homozygous or compound heterozygous with a second variant (PMID: 28279569, 30025539, 29142257, 28585276). Additionally, this variant has been observed to segregate in affected family members (PMID: 30025539). This variant has been identified in one or more affected individuals with a phenotype highly consistent with the associated gene (PMID: 28279569). Computational prediction algorithms indicate this variant is likely to affect gene or protein function. Given the available evidence, this variant is classified as Pathogenic.

Labcorp Genetics (formerly Invitae), Labcorp
Classification: Pathogenic. Last evaluated: 2025-03-13. Review status: criteria provided, single submitter. Criteria: Invitae Variant Classification Sherloc (09022015). Collection method: clinical testing. Allele origin: germline.
Comment: This sequence change replaces alanine, which is neutral and non-polar, with threonine, which is neutral and polar, at codon 390 of the ACAD9 protein (p.Ala390Thr). This variant is present in population databases (rs763004980, gnomAD 0.005%). This missense change has been observed in individual(s) with clinical features of ACAD9-related conditions (PMID: 28279569, 30025539). In at least one individual the data is consistent with being in trans (on the opposite chromosome) from a pathogenic variant. ClinVar contains an entry for this variant (Variation ID: 1253828). Invitae Evidence Modeling of protein sequence and biophysical properties (such as structural, functional, and spatial information, amino acid conservation, physicochemical variation, residue mobility, and thermodynamic stability) indicates that this missense variant is not expected to disrupt ACAD9 protein function with a negative predictive value of 80%. For these reasons, this variant has been classified as Pathogenic.

Fulgent Genetics
Classification: Likely pathogenic for Acyl-CoA dehydrogenase 9 deficiency. Last evaluated: 2024-05-04. Review status: criteria provided, single submitter. Criteria: ACMG Guidelines, 2015. Collection method: clinical testing. Allele origin: germline.

3billion
Classification: Pathogenic for Acyl-CoA dehydrogenase 9 deficiency. Last evaluated: 2024-02-27. Review status: criteria provided, single submitter. Criteria: ACMG Guidelines, 2015. Collection method: clinical testing. Allele origin: germline. Affected: yes.
Comment: The variant is observed at an extremely low frequency in the gnomAD v2.1.1 dataset (total allele frequency: 0.002%). Predicted Consequence/Location: The majority of the known disease-causing variants of this gene are variants expected to result in premature termination of the protein. In silico tool predictions suggest a damaging effect of the variant on gene or gene product [3Cnet: 0.82 (>=0.6, sensitivity 0.72 and precision 0.9)]. Same nucleotide change resulting in same amino acid change has been previously reported as pathogenic/likely pathogenic with strong evidence (ClinVar ID: VCV001253828 /PMID: 28279569). The variant has been reported to be in trans with a pathogenic variant as either compound heterozygous or homozygous in at least 2 similarly affected unrelated individuals (PMID: 30025539). A different missense change at the same codon (p.Ala390Val) has been reported to be associated with ACAD9-related disorder (ClinVar ID: VCV002500741). Therefore, this variant is classified as Pathogenic according to the recommendation of ACMG/AMP guideline.

Department of Pathology and Laboratory Medicine, Sinai Health System
Classification: Pathogenic for acyl-CoA dehydrogenase 9 deficiency. Last evaluated: 2023-03-28. Review status: criteria provided, single submitter. Criteria: ACMG Guidelines, 2015. Collection method: research. Allele origin: germline.

GeneDx
Classification: Likely pathogenic. Last evaluated: 2021-04-09. Review status: criteria provided, single submitter. Criteria: GeneDx Variant Classification Process June 2021. Collection method: clinical testing. Allele origin: germline. Affected: yes.
Comment: Identified with a second variant in the ACAD9 gene in three individuals with ACAD9 deficiency (Repp et al., 2018); Not observed at a significant frequency in large population cohorts (Lek et al., 2016); In silico analysis supports that this missense variant has a deleterious effect on protein structure/function; This variant is associated with the following publications: (PMID: 30025539, 28279569)

Literature cited by the submitters: PubMed 28279569 (cited by 3 submitters); PubMed 30025539 (cited by 3 submitters); PubMed 29142257 (cited by Natera, Inc.); PubMed 28585276 (cited by Natera, Inc.).